The following is an entry in ClinVar:

ClinVar aggregate classification (germline): Uncertain significance (1 of 4 stars; one submission).

Allele frequency attached by ClinVar (database versions not stated): 1000 Genomes Project 30x 0.00016; 1000 Genomes Project 0.00020.
gnomAD v4.1: 27 of 1,613,698 alleles (0.0017%); highest among the groups gnomAD compares: East Asian, 0.049%; no homozygotes.

Submission:

GeneDx
Classification: Uncertain significance. Last evaluated: 2022-05-01. Review status: criteria provided, single submitter. Criteria: GeneDx Variant Classification Process June 2021. Collection method: clinical testing. Allele origin: germline. Affected: yes.
Comment: In silico analysis supports that this missense variant has a deleterious effect on protein structure/function; Has not been previously published as pathogenic or benign to our knowledge

NM_005807.6(PRG4):c.403C>G (p.Arg135Gly)

Gene: PRG4 (proteoglycan 4; plus strand). Cytogenetic location: 1q31.1.
Variant type: single nucleotide variant.
Coding change: c.403C>G on transcript NM_005807.6 (MANE Select); coding-DNA position 403, C replaced by G.
Protein change: p.Arg135Gly; replaces arginine 135 with glycine.
Molecular consequence: missense variant. On other transcripts: intron variant (2).
Genome position (GRCh38, 1-based): chr1:186,304,191, C>G. VCF-style: chr1-186304191-C-G. GRCh37 (hg19) VCF-style: chr1-186273323-C-G.
Other names: c.280C>G, p.Arg94Gly (NM_001127708.3); c.403C>G, p.Arg135Gly (NM_001303232.2); c.320-2127C>G (NM_001127709.3); c.197-2127C>G (NM_001127710.3); short protein forms R135G, R94G.
Identifiers: ClinVar variation 1722860 (VCV001722860.2), dbSNP rs138361454, ClinGen allele CA1295833.